The following is an entry in ClinVar:

NM_017934.7(PHIP):c.5063C>T (p.Pro1688Leu)

Genes: IRAK1BP1 (interleukin 1 receptor associated kinase 1 binding protein 1; plus strand), PHIP (PHIP subunit of CUL4-Ring ligase complex; minus strand). Cytogenetic location: 6q14.1.
Variant type: single nucleotide variant.
Coding change: c.5063C>T on transcript NM_017934.7 (MANE Select); coding-DNA position 5063, C replaced by T.
Protein change: p.Pro1688Leu; replaces proline 1688 with leucine.
Molecular consequence: missense variant.
Genome position (GRCh38, 1-based): chr6:78,941,096, G>A on the plus strand (C>T on the coding strand, the complement: PHIP is on the minus strand). VCF-style: chr6-78941096-G-A. GRCh37 (hg19) VCF-style: chr6-79650813-G-A.
Other names: short protein forms P1688L.
Identifiers: ClinVar variation 3683749 (VCV003683749.2).

ClinVar aggregate classification (germline): Uncertain significance (1 of 4 stars; one submission).

Submission:

Labcorp Genetics (formerly Invitae), Labcorp
Classification: Uncertain significance. Last evaluated: 2025-05-19. Review status: criteria provided, single submitter. Criteria: Invitae Variant Classification Sherloc (09022015). Collection method: clinical testing. Allele origin: germline.
Comment: This sequence change replaces proline, which is neutral and non-polar, with leucine, which is neutral and non-polar, at codon 1688 of the PHIP protein (p.Pro1688Leu). This variant is present in population databases (rs780978664, gnomAD 0.0009%). This variant has not been reported in the literature in individuals affected with PHIP-related conditions. ClinVar contains an entry for this variant (Variation ID: 3683749). Invitae Evidence Modeling of protein sequence and biophysical properties (such as structural, functional, and spatial information, amino acid conservation, physicochemical variation, residue mobility, and thermodynamic stability) indicates that this missense variant is not expected to disrupt PHIP protein function with a negative predictive value of 95%. In summary, the available evidence is currently insufficient to determine the role of this variant in disease. Therefore, it has been classified as a Variant of Uncertain Significance.